The following is an entry in ClinVar:

ClinVar aggregate classification (germline): Likely benign (1 of 4 stars; one submission).

Conditions:
Cardiomyopathy (CMYO). Also called: Cardiomyopathies. Identifiers: Orphanet 167848, MedGen C0878544, MONDO:0004994, HP:0001638. Inheritance: Various modes of inheritance.

Submission:

All of Us Research Program, National Institutes of Health
Classification: Likely benign for Cardiomyopathy. Last evaluated: 2023-11-20. Review status: criteria provided, single submitter. Criteria: ACMG Guidelines, 2015. Collection method: clinical testing. Allele origin: germline. Inheritance: Autosomal dominant inheritance. Observed: 2 variant alleles, 2 heterozygotes.
Comment: This study involves interpretation of variants in research participants for the purpose of population health screening. Participant phenotype was not available at the time of variant classification. Additional details can be found in publication PMID: 35346344, PMCID: PMC8962531

NM_000257.4(MYH7):c.3258G>A (p.Glu1086=)

Gene: MYH7 (myosin heavy chain 7; minus strand). Cytogenetic location: 14q11.2.
Variant type: single nucleotide variant.
Coding change: c.3258G>A on transcript NM_000257.4 (MANE Select); coding-DNA position 3258, G replaced by A.
Protein change: p.Glu1086=; no amino-acid change (glutamic acid 1086 retained).
Molecular consequence: synonymous variant.
Genome position (GRCh38, 1-based): chr14:23,421,036, C>T on the plus strand (G>A on the coding strand, the complement: MYH7 is on the minus strand). VCF-style: chr14-23421036-C-T. GRCh37 (hg19) VCF-style: chr14-23890245-C-T.
Other names: c.3258G>A, p.Glu1086= (NM_001407004.1).
Identifiers: ClinVar variation 3070446 (VCV003070446.1), dbSNP rs2502268239, ClinGen allele CA485621471.